The following is an entry in ClinVar:

NM_003072.5(SMARCA4):c.1099C>G (p.Leu367Val)

Gene: SMARCA4 (SWI/SNF related BAF chromatin remodeling complex subunit ATPase 4; plus strand). Cytogenetic location: 19p13.2.
Variant type: single nucleotide variant.
Coding change: c.1099C>G on transcript NM_003072.5 (MANE Select); coding-DNA position 1099, C replaced by G.
Protein change: p.Leu367Val; replaces leucine 367 with valine.
Molecular consequence: missense variant. On other transcripts: non-coding transcript variant (1).
Genome position (GRCh38, 1-based): chr19:10,987,905, C>G. VCF-style: chr19-10987905-C-G. GRCh37 (hg19) VCF-style: chr19-11098581-C-G.
Other names: c.1099C>G, p.Leu367Val (NM_001128844.3, NM_001128845.2, NM_001128846.2 and 5 more transcripts); short protein forms L367V.
Identifiers: ClinVar variation 1051074 (VCV001051074.9), dbSNP rs372379166, ClinGen allele CA404058899.
Genomic context (GRCh38, chr19:10,987,905, plus strand): 5'-CAGAAGCAGAGCCGCATCACCCCCATCCAGAAGCCGCGGGGCCTCGACCCTGTGGAGATC[C>G]TGCAGGAGCGCGAGTACAGGTGAGGGCGGGGCCCAGTTGCCAAGGTCACTGCCCTGTGTC-3'
Protein context (NP_003063.2, residues 357-377): KPRGLDPVEI[Leu367Val]QEREYRLQAR

ClinVar aggregate classification (germline): Uncertain significance (1 of 4 stars; one submission).

Conditions:
Rhabdoid tumor predisposition syndrome 2 (RTPS2). Identifiers: Orphanet 231108, Orphanet 69077, MedGen C2750074, MONDO:0013224, OMIM 613325.

Submission:

Labcorp Genetics (formerly Invitae), Labcorp
Classification: Uncertain significance for Rhabdoid tumor predisposition syndrome 2. Last evaluated: 2025-09-03. Review status: criteria provided, single submitter. Criteria: Invitae Variant Classification Sherloc (09022015). Collection method: clinical testing. Allele origin: germline.
Comment: This sequence change replaces leucine, which is neutral and non-polar, with valine, which is neutral and non-polar, at codon 367 of the SMARCA4 protein (p.Leu367Val). This variant is not present in population databases (gnomAD no frequency). This variant has not been reported in the literature in individuals affected with SMARCA4-related conditions. ClinVar contains an entry for this variant (Variation ID: 1051074). Invitae Evidence Modeling of protein sequence and biophysical properties (such as structural, functional, and spatial information, amino acid conservation, physicochemical variation, residue mobility, and thermodynamic stability) indicates that this missense variant is expected to disrupt SMARCA4 protein function with a positive predictive value of 95%. In summary, the available evidence is currently insufficient to determine the role of this variant in disease. Therefore, it has been classified as a Variant of Uncertain Significance.